The following is an entry in ClinVar:

NM_006389.5(HYOU1):c.428A>G (p.Gln143Arg)

Gene: HYOU1 (hypoxia up-regulated 1; minus strand). Cytogenetic location: 11q23.3.
Variant type: single nucleotide variant.
Coding change: c.428A>G on transcript NM_006389.5 (MANE Select); coding-DNA position 428, A replaced by G.
Protein change: p.Gln143Arg; replaces glutamine 143 with arginine.
Molecular consequence: missense variant.
Genome position (GRCh38, 1-based): chr11:119,055,052, T>C on the plus strand (A>G on the coding strand, the complement: HYOU1 is on the minus strand). VCF-style: chr11-119055052-T-C. GRCh37 (hg19) VCF-style: chr11-118925764-T-C.
Other names: c.428A>G, p.Gln143Arg (NM_001130991.3); short protein forms Q143R.
Identifiers: ClinVar variation 1356520 (VCV001356520.8), dbSNP rs1256307487, ClinGen allele CA382950244.
Genomic context (GRCh38, chr11:119,055,052, plus strand): 5'-TCTTCAGCTAGAGAACGAGAATAATTGAGAACCATGCCCAACACTTCCTCAGGTGAGAAC[T>C]GCAGCTGCCTGAGGGGAAGGAAGGTAGTTGGAGCCAAGGAAAGCCAGGCATTAAGGCAGG-3'
Protein context (NP_006380.1, residues 133-153): TVHFQISSQL[Gln143Arg]FSPEEVLGMV

ClinVar aggregate classification (germline): Uncertain significance (1 of 4 stars; one submission).

Allele frequency attached by ClinVar (database versions not stated): gnomAD exomes below 0.00001.
gnomAD v4.1: 4 of 1,614,118 alleles (0.00025%); highest among the groups gnomAD compares: South Asian, 0.0011%; no homozygotes.

Submission:

Labcorp Genetics (formerly Invitae), Labcorp
Classification: Uncertain significance. Last evaluated: 2025-09-04. Review status: criteria provided, single submitter. Criteria: Invitae Variant Classification Sherloc (09022015). Collection method: clinical testing. Allele origin: germline.
Comment: This sequence change replaces glutamine, which is neutral and polar, with arginine, which is basic and polar, at codon 143 of the HYOU1 protein (p.Gln143Arg). This variant is present in population databases (no rsID available, gnomAD 0.0009%). This variant has not been reported in the literature in individuals affected with HYOU1-related conditions. ClinVar contains an entry for this variant (Variation ID: 1356520). An algorithm developed to predict the effect of missense changes on protein structure and function (PolyPhen-2) suggests that this variant is likely to be tolerated. In summary, the available evidence is currently insufficient to determine the role of this variant in disease. Therefore, it has been classified as a Variant of Uncertain Significance.